The following is an entry in ClinVar:

NM_003036.4(SKI):c.759G>T (p.Met253Ile)

Gene: SKI (SKI proto-oncogene; plus strand). Cytogenetic location: 1p36.33.
Variant type: single nucleotide variant.
Coding change: c.759G>T on transcript NM_003036.4 (MANE Select); coding-DNA position 759, G replaced by T.
Protein change: p.Met253Ile; replaces methionine 253 with isoleucine.
Molecular consequence: missense variant.
Genome position (GRCh38, 1-based): chr1:2,229,525, G>T. VCF-style: chr1-2229525-G-T. GRCh37 (hg19) VCF-style: chr1-2160964-G-T.
Other names: short protein forms M253I.
Identifiers: ClinVar variation 2760444 (VCV002760444.3), dbSNP rs1433959477, ClinGen allele CA337955158.

ClinVar aggregate classification (germline): Uncertain significance (1 of 4 stars; one submission).

Conditions:
Shprintzen-Goldberg syndrome (SGS). Also called: Marfanoid disorder with craniosynostosis type 1; Marfanoid craniosynostosis syndrome; Shprintzen-Goldberg marfanoid syndrome; SHPRINTZEN-GOLDBERG CRANIOSYNOSTOSIS SYNDROME; CRANIOSYNOSTOSIS WITH ARACHNODACTYLY AND ABDOMINAL HERNIAS. Identifiers: Orphanet 2462, MedGen C1321551, MONDO:0008426, OMIM 182212.

Submission:

Labcorp Genetics (formerly Invitae), Labcorp
Classification: Uncertain significance for Shprintzen-Goldberg syndrome. Last evaluated: 2023-06-03. Review status: criteria provided, single submitter. Criteria: Invitae Variant Classification Sherloc (09022015). Collection method: clinical testing. Allele origin: germline.
Comment: In summary, the available evidence is currently insufficient to determine the role of this variant in disease. Therefore, it has been classified as a Variant of Uncertain Significance. Advanced modeling of protein sequence and biophysical properties (such as structural, functional, and spatial information, amino acid conservation, physicochemical variation, residue mobility, and thermodynamic stability) has been performed at Invitae for this missense variant, however the output from this modeling did not meet the statistical confidence thresholds required to predict the impact of this variant on SKI protein function. This variant has not been reported in the literature in individuals affected with SKI-related conditions. This variant is not present in population databases (gnomAD no frequency). This sequence change replaces methionine, which is neutral and non-polar, with isoleucine, which is neutral and non-polar, at codon 253 of the SKI protein (p.Met253Ile).